The following is an entry in ClinVar:

ClinVar aggregate classification (germline): Pathogenic (1 of 4 stars; one submission).

Conditions:
Argininosuccinate lyase deficiency. Also called: Argininosuccinic aciduria; ARGININOSUCCINIC ACID LYASE DEFICIENCY; ASL DEFICIENCY. Identifiers: Orphanet 23, MedGen C0268547, MONDO:0008815, OMIM 207900, HP:0025630.

Submission:

Myriad Genetics, Inc.
Classification: Pathogenic for Argininosuccinate lyase deficiency. Last evaluated: 2025-12-12. Review status: criteria provided, single submitter. Criteria: Myriad Autosomal Dominant, Autosomal Recessive and X-Linked Classification Criteria (2023). Collection method: clinical testing. Allele origin: unknown.
Comment: NM_001024943.1(ASL):c.573delG(K192Sfs*59) is a frameshift variant classified as pathogenic in the context of argininosuccinic aciduria. K192Sfs*59 has not been observed in cases with relevant disease. Relevant functional assessments of this variant are not available in the literature. K192Sfs*59 has not been observed in referenced population frequency databases. In summary, NM_001024943.1(ASL):c.573delG(K192Sfs*59) is a frameshift variant in a gene where loss of function is a known mechanism of disease and is predicted to disrupt protein function. Please note: this variant was assessed in the context of healthy population screening.

NM_000048.4(ASL):c.573del (p.Lys192fs)

Gene: ASL (argininosuccinate lyase; plus strand). Cytogenetic location: 7q11.21.
Variant type: Deletion.
Coding change: c.573del on transcript NM_000048.4 (MANE Select); coding-DNA position 573, one base deleted (G; older notation c.573delG).
Protein change: p.Lys192fs; shifts the reading frame from lysine 192.
Molecular consequence: frameshift variant. On other transcripts: intron variant (1).
Genome position (GRCh38, 1-based): chr7:66,086,792, G deleted; the last of 2 consecutive G bases (chr7:66,086,791-66,086,792); deleting either gives the same sequence. VCF-style (leftmost placement, unchanged base first): chr7-66086790-CG-C. GRCh37 (hg19) VCF-style: chr7-65551777-CG-C.
Other names: c.573del, p.Lys192fs (NM_001024943.2, NM_001024944.2); c.524+130del (NM_001024946.2); short protein forms K192fs.
Identifiers: ClinVar variation 5003538 (VCV005003538.1).
Genomic context (GRCh38, chr7:66,086,790, plus strand): 5'-CTGGCTTCCCACAGCCACGCCGTGGCACTGACCCGAGACTCTGAGCGGCTGCTGGAGGTG[CG>C]GAAGCGGATCAATGTCCTGCCCCTGGGGAGGTGGGTGAGGCTCCAGTGCCCCGAGGGCCT-3'